The following is an entry in ClinVar:

ClinVar aggregate classification (germline): Uncertain significance (1 of 4 stars; one submission).

gnomAD v4.1: 5 of 1,614,000 alleles (0.00031%); highest among the groups gnomAD compares: South Asian, 0.0055%; no homozygotes.

Submission:

Labcorp Genetics (formerly Invitae), Labcorp
Classification: Uncertain significance. Last evaluated: 2025-08-04. Review status: criteria provided, single submitter. Criteria: Invitae Variant Classification Sherloc (09022015). Collection method: clinical testing. Allele origin: germline.
Comment: This sequence change replaces lysine, which is basic and polar, with arginine, which is basic and polar, at codon 913 of the DSCAML1 protein (p.Lys913Arg). This variant is present in population databases (no rsID available, gnomAD 0.003%). This variant has not been reported in the literature in individuals affected with DSCAML1-related conditions. An algorithm developed to predict the effect of missense changes on protein structure and function (PolyPhen-2) suggests that this variant is likely to be tolerated. In summary, the available evidence is currently insufficient to determine the role of this variant in disease. Therefore, it has been classified as a Variant of Uncertain Significance.

NM_020693.4(DSCAML1):c.2558A>G (p.Lys853Arg)

Gene: DSCAML1 (DS cell adhesion molecule like 1; minus strand). Cytogenetic location: 11q23.3.
Variant type: single nucleotide variant.
Coding change: c.2558A>G on transcript NM_020693.4 (MANE Select); coding-DNA position 2558, A replaced by G.
Protein change: p.Lys853Arg; replaces lysine 853 with arginine.
Molecular consequence: missense variant.
Genome position (GRCh38, 1-based): chr11:117,481,964, T>C on the plus strand (A>G on the coding strand, the complement: DSCAML1 is on the minus strand). VCF-style: chr11-117481964-T-C. GRCh37 (hg19) VCF-style: chr11-117352679-T-C.
Other names: c.2558A>G, p.Lys853Arg (NM_001367904.1); short protein forms K853R.
Identifiers: ClinVar variation 4807663 (VCV004807663.1).